The following is an entry in ClinVar:

NM_182641.4(BPTF):c.1123A>C (p.Asn375His)

Gene: BPTF (bromodomain PHD finger transcription factor; plus strand). Cytogenetic location: 17q24.2.
Variant type: single nucleotide variant.
Coding change: c.1123A>C on transcript NM_182641.4 (MANE Select); coding-DNA position 1123, A replaced by C.
Protein change: p.Asn375His; replaces asparagine 375 with histidine.
Molecular consequence: missense variant.
Genome position (GRCh38, 1-based): chr17:67,854,449, A>C. VCF-style: chr17-67854449-A-C. GRCh37 (hg19) VCF-style: chr17-65850565-A-C.
Other names: c.1123A>C, p.Asn375His (NM_004459.7); short protein forms N375H.
Identifiers: ClinVar variation 3365743 (VCV003365743.1).
Genomic context (GRCh38, chr17:67,854,449, plus strand): 5'-GGACCAGTAGAGAACAAGATCAAAGTTCTACAGTTTCTAGTCGATCAGTTTCTTACAACA[A>C]ATATTGCTCGAGAGGAATTGATGTCTGAAGGGGTGATACAGTATGATGACCATTGTAGGG-3'
Protein context (NP_872579.2, residues 365-385): QFLVDQFLTT[Asn375His]IAREELMSEG

ClinVar aggregate classification (germline): Uncertain significance (1 of 4 stars; one submission).

Submission:

GeneDx
Classification: Uncertain significance. Last evaluated: 2023-12-14. Review status: criteria provided, single submitter. Criteria: GeneDx Variant Classification Process June 2021. Collection method: clinical testing. Allele origin: germline. Affected: yes.
Comment: Not observed at significant frequency in large population cohorts (gnomAD); In silico analysis supports that this missense variant has a deleterious effect on protein structure/function; Has not been previously published as pathogenic or benign to our knowledge